The following is an entry in ClinVar:

NM_016553.5(NUP62):c.700A>G (p.Thr234Ala)

Genes: IL4I1 (interleukin 4 induced 1; minus strand), NUP62 (nucleoporin 62; minus strand). Cytogenetic location: 19q13.33.
Variant type: single nucleotide variant.
Coding change: c.700A>G on transcript NM_016553.5 (MANE Select); coding-DNA position 700, A replaced by G.
Protein change: p.Thr234Ala; replaces threonine 234 with alanine.
Molecular consequence: missense variant. On other transcripts: intron variant (3).
Genome position (GRCh38, 1-based): chr19:49,909,108, T>C on the plus strand (A>G on the coding strand, the complement: NUP62 is on the minus strand). VCF-style: chr19-49909108-T-C. GRCh37 (hg19) VCF-style: chr19-50412365-T-C.
Other names: c.-227-4787A>G (NM_172374.3, NM_001258017.2); c.-285-4787A>G (NM_001258018.2); c.700A>G, p.Thr234Ala (NM_001193357.2, NM_012346.5, NM_153718.4 and 1 more transcripts); short protein forms T234A.
Identifiers: ClinVar variation 1031240 (VCV001031240.9), dbSNP rs151022752, ClinGen allele CA9589075.

ClinVar aggregate classification (germline): Uncertain significance. Review status: criteria provided, multiple submitters, no conflicts (2 of 4 stars). 2 submissions from 2 submitters: Uncertain significance (2). Last evaluated 2024-11-28.

Conditions:
Infantile bilateral striatal necrosis. Identifiers: Orphanet 1576, MedGen C0795996, MONDO:0015518.

Allele frequency attached by ClinVar (database versions not stated): gnomAD exomes 0.00006 and 0.00002; gnomAD 0.00019 and 0.00018; ESP Exome Variant Server 0.00031; ExAC 0.00008; TOPMed 0.00024.
gnomAD v4.1: 55 of 1,612,418 alleles (0.0034%); highest among the groups gnomAD compares: African/African-American, 0.059%; no homozygotes.

Submissions (2):

Labcorp Genetics (formerly Invitae), Labcorp
Classification: Uncertain significance. Last evaluated: 2024-11-28. Review status: criteria provided, single submitter. Criteria: Invitae Variant Classification Sherloc (09022015). Collection method: clinical testing. Allele origin: germline.
Comment: This sequence change replaces threonine, which is neutral and polar, with alanine, which is neutral and non-polar, at codon 234 of the NUP62 protein (p.Thr234Ala). This variant is present in population databases (rs151022752, gnomAD 0.07%), and has an allele count higher than expected for a pathogenic variant. This variant has not been reported in the literature in individuals affected with NUP62-related conditions. ClinVar contains an entry for this variant (Variation ID: 1031240). An algorithm developed to predict the effect of missense changes on protein structure and function outputs the following: PolyPhen-2: "Benign". The alanine amino acid residue is found in multiple mammalian species, which suggests that this missense change does not adversely affect protein function. In summary, the available evidence is currently insufficient to determine the role of this variant in disease. Therefore, it has been classified as a Variant of Uncertain Significance.

Baylor Genetics
Classification: Uncertain significance for Familial infantile bilateral striatal necrosis. Last evaluated: 2019-02-23. Review status: criteria provided, single submitter. Criteria: ACMG Guidelines, 2015. Collection method: clinical testing. Allele origin: maternal. Affected: yes.
Comment: This variant was determined to be of uncertain significance according to ACMG Guidelines, 2015 [PMID:25741868].